The following is an entry in ClinVar:

NM_001384140.1(PCDH15):c.4672-1657del

Gene: PCDH15 (protocadherin related 15; minus strand). Cytogenetic location: 10q21.1.
Variant type: Deletion.
Coding change: c.4672-1657del on transcript NM_001384140.1 (MANE Select); 1657 bases into the intron before coding-DNA position 4672, one base deleted (T; older notation c.4672-1657delT).
Molecular consequence: intron variant. On other transcripts: frameshift variant (2), 3 prime UTR variant (1).
Genome position (GRCh38, 1-based): chr10:53,808,787, A deleted on the plus strand (T on the coding strand, the reverse complement: PCDH15 is on the minus strand). VCF-style (leftmost placement, unchanged base first): chr10-53808786-CA-C. GRCh37 (hg19) VCF-style: chr10-55568546-CA-C.
Other names: c.5278delT, p.Trp1760Glyfs (NM_001142769.4); c.*693del (NM_001142770.3); c.5257del, p.Trp1753fs (NM_001354411.2); c.4477-1657del (NM_001354420.2); c.4606-1657del (NM_001354429.2); c.4483-1657del (NM_001142772.2); c.4498-1657del (NM_001142771.2); short protein forms W1753fs, W1760fs.
Identifiers: ClinVar variation 229129 (VCV000229129.5), dbSNP rs876657949, ClinGen allele CA10576790.

ClinVar aggregate classification (germline): Uncertain significance (1 of 4 stars; one submission).

Submission:

Laboratory for Molecular Medicine, Mass General Brigham Personalized Medicine
Classification: Uncertain significance. Last evaluated: 2015-06-26. Review status: criteria provided, single submitter. Criteria: LMM Criteria. Collection method: clinical testing. Allele origin: germline. Observed: 1 variant allele.
Comment: The p.Trp1760fs variant in PCDH15 has not been previously identified in individu als with hearing loss or in large population studies, though the ability of thes e studies to accurately detect indels may be limited. This variant affects one m inor coding transcript (NM_001142769.1) of the PCDH15 gene, and is predicted to cause a frameshift, which alters the protein?s amino acid sequence beginning at position 1760 and leads to a new termination codon 60 amino acids downstream, th us resulting in a longer protein (the abnormal protein is 29 amino acids longer than the normal protein). However, this variant occurs within the 3'UTR (untrans lated region) of the major coding transcript of PCDH15 and its impact to the pro tein expressed by the major transcript is unknown. Therefore, the effect of this variant on either minor or major PCDH15 transcripts cannot be determined withou t functional studies. In summary, the clinical significance of the p.Trp1760fs v ariant is uncertain.